The following is an entry in ClinVar:

ClinVar aggregate classification (germline): Conflicting classifications of pathogenicity. Review status: criteria provided, conflicting classifications (1 of 4 stars). 2 submissions from 2 submitters: Likely pathogenic (1); Uncertain significance (1). Last evaluated 2019-08-11.

Conditions:
Macrocephaly-developmental delay syndrome (MRT41). Also called: INTELLECTUAL DEVELOPMENTAL DISORDER, AUTOSOMAL RECESSIVE 41. Identifiers: Orphanet 397612, MedGen C3810225, MONDO:0014289, OMIM 615637.

Allele frequency attached by ClinVar (database versions not stated): gnomAD below 0.00001 and 0.00001; gnomAD exomes below 0.00001 and 0.00001; ExAC 0.00001.
gnomAD v4.1: 5 of 1,613,272 alleles (0.00031%); highest among the groups gnomAD compares: South Asian, 0.0033%; no homozygotes.

Submissions (2):

Labcorp Genetics (formerly Invitae), Labcorp
Classification: Uncertain significance for Macrocephaly-developmental delay syndrome. Last evaluated: 2019-08-11. Review status: criteria provided, single submitter. Criteria: Invitae Variant Classification Sherloc (09022015). Collection method: clinical testing. Allele origin: germline.
Comment: This sequence change results in a premature translational stop signal in the KPTN gene (p.Arg409*). While this is not anticipated to result in nonsense mediated decay, it is expected to disrupt the last 28 amino acids of the KPTN protein. This variant is present in population databases (rs761616995, ExAC 0.006%). This variant has not been reported in the literature in individuals with KPTN-related conditions. ClinVar contains an entry for this variant (Variation ID: 620486). Experimental studies and prediction algorithms are not available or were not evaluated for this variant, and the functional significance of this variant is currently unknown. In summary, the available evidence is currently insufficient to determine the role of this variant in disease. Therefore, it has been classified as a Variant of Uncertain Significance.

GeneDx
Classification: Likely pathogenic. Last evaluated: 2019-01-09. Review status: criteria provided, single submitter. Criteria: GeneDx Variant Classification (06012015). Collection method: clinical testing. Allele origin: germline. Affected: yes.
Comment: The R409X variant in the KPTN gene has not been reported previously as a pathogenic variant nor as a benign variant, to our knowledge. This variant is predicted to cause loss of normal protein function through protein truncation. The R409X variant is not observed at a significant frequency in large population cohorts (Lek et al., 2016). We interpret R409X as a likely pathogenic variant.

NM_007059.4(KPTN):c.1225C>T (p.Arg409Ter)

Gene: KPTN (kaptin, actin binding protein; minus strand). Cytogenetic location: 19q13.32.
Variant type: single nucleotide variant.
Coding change: c.1225C>T on transcript NM_007059.4 (MANE Select); coding-DNA position 1225, C replaced by T.
Protein change: p.Arg409Ter; replaces arginine 409 with a stop codon.
Molecular consequence: nonsense. On other transcripts: non-coding transcript variant (1).
Genome position (GRCh38, 1-based): chr19:47,475,502, G>A on the plus strand (C>T on the coding strand, the complement: KPTN is on the minus strand). VCF-style: chr19-47475502-G-A. GRCh37 (hg19) VCF-style: chr19-47978759-G-A.
Other names: c.1057C>T, p.Arg353Ter (NM_001291296.2); short protein forms R409*, R353*.
Identifiers: ClinVar variation 620486 (VCV000620486.4), dbSNP rs761616995, ClinGen allele CA9540166.
Genomic context (GRCh38, chr19:47,475,502, plus strand): 5'-CTGCACCTGCCCCGTCCTCCAACCCCTGTAGCCGACGTCTCCTCTGCTCCACTTGATGTC[G>A]AAGCCGGGTCAAGACCAGCTCTGAGGCCTGAATCAGGCTGTGCTGTGGGGAACAAGAGAA-3'